The following is an entry in ClinVar:

ClinVar aggregate classification (germline): Uncertain significance (1 of 4 stars; one submission).

Conditions:
Chédiak-Higashi syndrome (CHS). Also called: Chediak-Higashi Syndrome. Identifiers: Orphanet 167, MedGen C0007965, MONDO:0008963, OMIM 214500.

gnomAD v4.1: 19 of 1,613,352 alleles (0.0012%); highest among the groups gnomAD compares: South Asian, 0.0022%; no homozygotes.

Submission:

Labcorp Genetics (formerly Invitae), Labcorp
Classification: Uncertain significance for Chédiak-Higashi syndrome. Last evaluated: 2022-07-25. Review status: criteria provided, single submitter. Criteria: Invitae Variant Classification Sherloc (09022015). Collection method: clinical testing. Allele origin: germline.
Comment: This sequence change replaces valine, which is neutral and non-polar, with isoleucine, which is neutral and non-polar, at codon 2027 of the LYST protein (p.Val2027Ile). This variant is present in population databases (rs374351038, gnomAD 0.004%). This variant has not been reported in the literature in individuals affected with LYST-related conditions. ClinVar contains an entry for this variant (Variation ID: 1407283). Algorithms developed to predict the effect of missense changes on protein structure and function output the following: SIFT: "Tolerated"; PolyPhen-2: "Benign"; Align-GVGD: "Class C0". The isoleucine amino acid residue is found in multiple mammalian species, which suggests that this missense change does not adversely affect protein function. In summary, the available evidence is currently insufficient to determine the role of this variant in disease. Therefore, it has been classified as a Variant of Uncertain Significance.

NM_000081.4(LYST):c.6079G>A (p.Val2027Ile)

Gene: LYST (lysosomal trafficking regulator; minus strand). Cytogenetic location: 1q42.3.
Variant type: single nucleotide variant.
Coding change: c.6079G>A on transcript NM_000081.4 (MANE Select); coding-DNA position 6079, G replaced by A.
Protein change: p.Val2027Ile; replaces valine 2027 with isoleucine.
Molecular consequence: missense variant.
Genome position (GRCh38, 1-based): chr1:235,766,121, C>T on the plus strand (G>A on the coding strand, the complement: LYST is on the minus strand). VCF-style: chr1-235766121-C-T. GRCh37 (hg19) VCF-style: chr1-235929421-C-T.
Other names: c.6079G>A, p.Val2027Ile (NM_001301365.1); short protein forms V2027I.
Identifiers: ClinVar variation 1407283 (VCV001407283.5), dbSNP rs374351038, ClinGen allele CA1466466.